The following is an entry in ClinVar:

NM_024809.5(TCTN2):c.267+4A>C

Gene: TCTN2 (tectonic family member 2; plus strand). Cytogenetic location: 12q24.31.
Variant type: single nucleotide variant.
Coding change: c.267+4A>C on transcript NM_024809.5 (MANE Select); 4 bases into the intron after coding-DNA position 267, A replaced by C.
Molecular consequence: intron variant.
Genome position (GRCh38, 1-based): chr12:123,672,136, A>C. VCF-style: chr12-123672136-A-C. GRCh37 (hg19) VCF-style: chr12-124156683-A-C.
Other names: c.267+4A>C (NM_001143850.3).
Identifiers: ClinVar variation 1314299 (VCV001314299.10), dbSNP rs199924687, ClinGen allele CA6860837.

ClinVar aggregate classification (germline): Conflicting classifications of pathogenicity. Review status: criteria provided, conflicting classifications (1 of 4 stars). 5 submissions from 5 submitters: Uncertain significance (4); Likely benign (1). Last evaluated 2024-08-11.

Conditions:
Joubert syndrome. Also called: JOUBERT-BOLTSHAUSER SYNDROME; Familial aplasia of the vermis. Identifiers: Orphanet 475, MedGen C5979921, MONDO:0018772.
Meckel-Gruber syndrome. Also called: Dysencephalia splachnocystica; GRUBER SYNDROME; DYSENCEPHALIA SPLANCHNOCYSTICA. Identifiers: Orphanet 564, MedGen C0265215, MONDO:0018921.
Meckel syndrome, type 8. Identifiers: Orphanet 564, MedGen C3836857, MONDO:0013482, OMIM 613885.
Joubert syndrome 24 (JBTS24). Identifiers: Orphanet 475, MedGen C4084841, MONDO:0014724, OMIM 616654.

Allele frequency attached by ClinVar (database versions not stated): gnomAD 0.00001 and 0.00002; ExAC 0.00002; gnomAD exomes 0.00002 and 0.00005; TOPMed 0.00003; 1000 Genomes Project 30x 0.00016; 1000 Genomes Project 0.00020.
gnomAD v4.1: 78 of 1,614,026 alleles (0.0048%); highest among the groups gnomAD compares: Non-Finnish European, 0.0064%; no homozygotes.

Submissions (5):

Women's Health and Genetics/Laboratory Corporation of America, LabCorp
Classification: Uncertain significance. Last evaluated: 2024-08-11. Review status: criteria provided, single submitter. Criteria: LabCorp Variant Classification Summary - May 2015. Collection method: clinical testing. Allele origin: germline.

Clinical Genomics Laboratory, Stanford Medicine
Classification: Uncertain significance for Joubert syndrome 24; Meckel syndrome, type 8. Last evaluated: 2023-08-15. Review status: criteria provided, single submitter. Criteria: ACMG Guidelines, 2015. Collection method: clinical testing. Allele origin: germline. Observed: 1 variant allele, 1 heterozygote.

Labcorp Genetics (formerly Invitae), Labcorp
Classification: Uncertain significance for Joubert syndrome; Meckel-Gruber syndrome. Last evaluated: 2023-06-15. Review status: criteria provided, single submitter. Criteria: Invitae Variant Classification Sherloc (09022015). Collection method: clinical testing. Allele origin: germline.
Comment: This sequence change falls in intron 3 of the TCTN2 gene. It does not directly change the encoded amino acid sequence of the TCTN2 protein. It affects a nucleotide within the consensus splice site. This variant is present in population databases (rs199924687, gnomAD 0.007%). In summary, the available evidence is currently insufficient to determine the role of this variant in disease. Therefore, it has been classified as a Variant of Uncertain Significance. Variants that disrupt the consensus splice site are a relatively common cause of aberrant splicing (PMID: 17576681, 9536098). Algorithms developed to predict the effect of sequence changes on RNA splicing suggest that this variant may disrupt the consensus splice site. ClinVar contains an entry for this variant (Variation ID: 1314299). This variant has not been reported in the literature in individuals affected with TCTN2-related conditions.

Blueprint Genetics
Classification: Likely benign. Last evaluated: 2022-11-17. Review status: criteria provided, single submitter. Criteria: ACMG Guidelines, 2015. Collection method: clinical testing. Allele origin: germline.

GeneDx
Classification: Uncertain significance. Last evaluated: 2022-05-24. Review status: criteria provided, single submitter. Criteria: GeneDx Variant Classification Process June 2021. Collection method: clinical testing. Allele origin: germline. Affected: yes.
Comment: Not observed at a significant frequency in large population cohorts (gnomAD); Has not been previously published as pathogenic or benign to our knowledge; In-silico analysis is inconclusive as to whether the variant alters gene splicing. In the absence of RNA/functional studies, the actual effect of this sequence change is unknown.

Literature cited by the submitters: PubMed 17576681 (cited by Labcorp Genetics (formerly Invitae), Labcorp); PubMed 9536098 (cited by Labcorp Genetics (formerly Invitae), Labcorp).